The following is an entry in ClinVar:

NM_001367561.1(DOCK7):c.3706G>C (p.Ala1236Pro)

Gene: DOCK7 (dedicator of cytokinesis 7; minus strand). Cytogenetic location: 1p31.3.
Variant type: single nucleotide variant.
Coding change: c.3706G>C on transcript NM_001367561.1 (MANE Select); coding-DNA position 3706, G replaced by C.
Protein change: p.Ala1236Pro; replaces alanine 1236 with proline.
Molecular consequence: missense variant.
Genome position (GRCh38, 1-based): chr1:62,529,352, C>G on the plus strand (G>C on the coding strand, the complement: DOCK7 is on the minus strand). VCF-style: chr1-62529352-C-G. GRCh37 (hg19) VCF-style: chr1-62995023-C-G.
Other names: c.3706G>C, p.Ala1236Pro (NM_001271999.2, NM_001330614.2); c.3613G>C, p.Ala1205Pro (NM_001272000.2, NM_001272001.2, NM_033407.4); short protein forms A1205P, A1236P.
Identifiers: ClinVar variation 1003275 (VCV001003275.11), dbSNP rs1645106713, ClinGen allele CA340600798.

ClinVar aggregate classification (germline): Uncertain significance (1 of 4 stars; one submission).

Conditions:
Developmental and epileptic encephalopathy, 23 (DEE23). Also called: Epileptic encephalopathy, early infantile, 23. Identifiers: Orphanet 411986, MedGen C4014492, MONDO:0014371, OMIM 615859.

Allele frequency attached by ClinVar (database versions not stated): gnomAD 0.00001.
gnomAD v4.1: 1 of 1,613,514 alleles (0.000062%); highest among the groups gnomAD compares: Admixed American, 0.0017%; no homozygotes.

Submission:

Labcorp Genetics (formerly Invitae), Labcorp
Classification: Uncertain significance for Developmental and epileptic encephalopathy, 23. Last evaluated: 2023-07-07. Review status: criteria provided, single submitter. Criteria: Invitae Variant Classification Sherloc (09022015). Collection method: clinical testing. Allele origin: germline.
Comment: This sequence change replaces alanine, which is neutral and non-polar, with proline, which is neutral and non-polar, at codon 1236 of the DOCK7 protein (p.Ala1236Pro). This variant is not present in population databases (gnomAD no frequency). This variant has not been reported in the literature in individuals affected with DOCK7-related conditions. ClinVar contains an entry for this variant (Variation ID: 1003275). Advanced modeling of protein sequence and biophysical properties (such as structural, functional, and spatial information, amino acid conservation, physicochemical variation, residue mobility, and thermodynamic stability) performed at Invitae indicates that this missense variant is not expected to disrupt DOCK7 protein function. In summary, the available evidence is currently insufficient to determine the role of this variant in disease. Therefore, it has been classified as a Variant of Uncertain Significance.